The following is an entry in ClinVar:

NM_017617.5(NOTCH1):c.7124C>T (p.Thr2375Ile)

Gene: NOTCH1 (notch receptor 1; minus strand). Cytogenetic location: 9q34.3.
Variant type: single nucleotide variant.
Coding change: c.7124C>T on transcript NM_017617.5 (MANE Select); coding-DNA position 7124, C replaced by T.
Protein change: p.Thr2375Ile; replaces threonine 2375 with isoleucine.
Molecular consequence: missense variant.
Genome position (GRCh38, 1-based): chr9:136,496,615, G>A on the plus strand (C>T on the coding strand, the complement: NOTCH1 is on the minus strand). VCF-style: chr9-136496615-G-A. GRCh37 (hg19) VCF-style: chr9-139391067-G-A.
Other names: short protein forms T2375I.
Identifiers: ClinVar variation 2452171 (VCV002452171.2), dbSNP rs1375530239, ClinGen allele CA375628026.

ClinVar aggregate classification (germline): Uncertain significance (1 of 4 stars; one submission).

Conditions:
Familial thoracic aortic aneurysm and aortic dissection (TAAD). Also called: Thoracic aortic aneurysms and dissections. Identifiers: Orphanet 91387, MedGen C4707243, MONDO:0019625.

Submission:

Ambry Genetics
Classification: Uncertain significance for Familial thoracic aortic aneurysm and aortic dissection. Last evaluated: 2022-11-17. Review status: criteria provided, single submitter. Criteria: Ambry Variant Classification Scheme 2023. Collection method: clinical testing. Allele origin: germline.
Comment: The p.T2375I variant (also known as c.7124C>T), located in coding exon 34 of the NOTCH1 gene, results from a C to T substitution at nucleotide position 7124. The threonine at codon 2375 is replaced by isoleucine, an amino acid with similar properties. This amino acid position is conserved. In addition, this alteration is predicted to be tolerated by in silico analysis. Since supporting evidence is limited at this time, the clinical significance of this alteration remains unclear.